The following is an entry in ClinVar:

NM_000308.4(CTSA):c.359T>C (p.Ile120Thr)

Gene: CTSA (cathepsin A; plus strand). Cytogenetic location: 20q13.12.
Variant type: single nucleotide variant.
Coding change: c.359T>C on transcript NM_000308.4 (MANE Select); coding-DNA position 359, T replaced by C.
Protein change: p.Ile120Thr; replaces isoleucine 120 with threonine.
Molecular consequence: missense variant. On other transcripts: non-coding transcript variant (1).
Genome position (GRCh38, 1-based): chr20:45,892,399, T>C. VCF-style: chr20-45892399-T-C. GRCh37 (hg19) VCF-style: chr20-44521038-T-C.
Other names: c.359T>C, p.Ile120Thr (NM_001127695.3); c.308T>C, p.Ile103Thr (NM_001167594.3); short protein forms I120T, I103T.
Identifiers: ClinVar variation 809252 (VCV000809252.49), dbSNP rs1601139705, ClinGen allele CA409248853.

ClinVar aggregate classification (germline): Uncertain significance. Review status: criteria provided, multiple submitters, no conflicts (2 of 4 stars). 4 submissions from 4 submitters: Uncertain significance (4). Last evaluated 2022-07-04.

Conditions:
Combined deficiency of sialidase AND beta galactosidase (GSL). Also called: NEURAMINIDASE DEFICIENCY WITH BETA-GALACTOSIDASE DEFICIENCY; NEURAMINIDASE/BETA-GALACTOSIDASE EXPRESSION; CATHEPSIN A DEFICIENCY; GOLDBERG SYNDROME; PPCA DEFICIENCY; PROTECTIVE PROTEIN/CATHEPSIN A DEFICIENCY. Identifiers: Orphanet 351, MedGen C0268233, MONDO:0009737, OMIM 256540.

Allele frequency attached by ClinVar (database versions not stated): TOPMed below 0.00001.

Submissions (4):

Blueprint Genetics
Classification: Uncertain significance. Last evaluated: 2022-07-04. Review status: criteria provided, single submitter. Criteria: ACMG Guidelines, 2015. Collection method: clinical testing. Allele origin: germline.

Labcorp Genetics (formerly Invitae), Labcorp
Classification: Uncertain significance for Combined deficiency of sialidase AND beta galactosidase. Last evaluated: 2022-01-21. Review status: criteria provided, single submitter. Criteria: Invitae Variant Classification Sherloc (09022015). Collection method: clinical testing. Allele origin: germline.
Comment: In summary, the available evidence is currently insufficient to determine the role of this variant in disease. Therefore, it has been classified as a Variant of Uncertain Significance. Algorithms developed to predict the effect of missense changes on protein structure and function are either unavailable or do not agree on the potential impact of this missense change (SIFT: "Not Available"; PolyPhen-2: "Benign"; Align-GVGD: "Not Available"). ClinVar contains an entry for this variant (Variation ID: 809252). This missense change has been observed in individual(s) with clinical features of galactosialidosis (Invitae). This variant is not present in population databases (gnomAD no frequency). This sequence change replaces isoleucine, which is neutral and non-polar, with threonine, which is neutral and polar, at codon 138 of the CTSA protein (p.Ile138Thr).

Women's Health and Genetics/Laboratory Corporation of America, LabCorp
Classification: Uncertain significance. Last evaluated: 2021-12-03. Review status: criteria provided, single submitter. Criteria: LabCorp Variant Classification Summary - May 2015. Collection method: clinical testing. Allele origin: germline.

CeGaT Center for Human Genetics Tuebingen
Classification: Uncertain significance. Last evaluated: 2017-06-01. Review status: criteria provided, single submitter. Criteria: CeGaT Center For Human Genetics Tuebingen Variant Classification Criteria Version 2. Collection method: clinical testing. Allele origin: germline. Affected: yes. Observed: 1 variant allele.